The following is an entry in ClinVar:

NM_020859.4(SHROOM3):c.2103A>G (p.Ala701=)

Genes: SHROOM3 (shroom family member 3; plus strand), SHROOM3-AS1 (SHROOM3 antisense RNA 1; minus strand). Cytogenetic location: 4q21.1.
Variant type: single nucleotide variant.
Coding change: c.2103A>G on transcript NM_020859.4 (MANE Select); coding-DNA position 2103, A replaced by G.
Protein change: p.Ala701=; no amino-acid change (alanine 701 retained).
Molecular consequence: synonymous variant.
Genome position (GRCh38, 1-based): chr4:76,740,276, A>G. VCF-style: chr4-76740276-A-G. GRCh37 (hg19) VCF-style: chr4-77661429-A-G.
Identifiers: ClinVar variation 3046757 (VCV003046757.3), dbSNP rs561826700, ClinGen allele CA2972481.

ClinVar aggregate classification (germline): Likely benign. Review status: criteria provided, single submitter (1 of 4 stars). 2 submissions from 2 submitters: Likely benign (1). 1 of the submissions does not count toward it. Last evaluated 2025-02-16.

Conditions:
SHROOM3-related disorder. Also called: SHROOM3-related condition.

Allele frequency attached by ClinVar (database versions not stated): gnomAD 0.00002; gnomAD exomes 0.00004; TOPMed 0.00004; ExAC 0.00007; 1000 Genomes Project 30x 0.00016; 1000 Genomes Project 0.00020.
gnomAD v4.1: 59 of 1,613,212 alleles (0.0037%); highest among the groups gnomAD compares: Middle Eastern, 0.26%; no homozygotes.

Submissions (2):

Laboratory of Genetics, Children's Clinical University Hospital Latvia
Classification: Likely benign. Last evaluated: 2025-02-16. Review status: criteria provided, single submitter. Criteria: ACMG Guidelines, 2015. Collection method: clinical testing. Allele origin: germline. Affected: yes.

PreventionGenetics, part of Exact Sciences
Classification: Likely benign for SHROOM3-related condition. Last evaluated: 2019-04-26. Review status: no assertion criteria provided. Collection method: clinical testing. Allele origin: germline. Not counted in ClinVar's aggregate classification.
Comment: This variant is classified as likely benign based on ACMG/AMP sequence variant interpretation guidelines (Richards et al. 2015 PMID: 25741868, with internal and published modifications).